The following is an entry in ClinVar:

ClinVar aggregate classification (germline): Likely pathogenic (1 of 4 stars; one submission).

Conditions:
Refsum disease, classic. Also called: HEREDOPATHIA ATACTICA POLYNEURITIFORMIS; HMSN IV; PHYTANIC ACID OXIDASE DEFICIENCY; PHYH-Related Refsum Disease. Identifiers: Orphanet 773, MedGen C5780941, MONDO:1060256, OMIM 266500. Disease mechanism: loss of function.

gnomAD v4.1: 7 of 1,613,380 alleles (0.00043%); highest among the groups gnomAD compares: Non-Finnish European, 0.00059%; no homozygotes.

Submission:

Myriad Genetics, Inc.
Classification: Likely pathogenic for Refsum disease, classic. Last evaluated: 2025-10-15. Review status: criteria provided, single submitter. Criteria: Myriad Autosomal Dominant, Autosomal Recessive and X-Linked Classification Criteria (2023). Collection method: clinical testing. Allele origin: unknown.
Comment: NM_006214.3(PHYH):c.678+2T>G is a variant in a canonical splice site classified as likely pathogenic in the context of Refsum disease, PHYH-related. c.678+2T>G has been observed in cases with relevant disease (PMID: 14974078, 31980526). Relevant functional assessments of this variant are not available in the literature. c.678+2T>G has not been observed in referenced population frequency databases. In summary, NM_006214.3(PHYH):c.678+2T>G is a variant in a canonical splice site in a gene where loss of function is a known mechanism of disease, is predicted to disrupt protein function, and has been observed more frequently in cases with the relevant disease than in healthy populations. Please note: this variant was assessed in the context of healthy population screening.

Literature cited by the submitters: PubMed 14974078; PubMed 31980526.

NM_006214.4(PHYH):c.678+2T>G

Gene: PHYH (phytanoyl-CoA 2-hydroxylase; minus strand). Cytogenetic location: 10p13.
Variant type: single nucleotide variant.
Coding change: c.678+2T>G on transcript NM_006214.4 (MANE Select); the canonical splice donor site of the intron after coding-DNA position 678, T replaced by G.
Molecular consequence: splice donor variant. On other transcripts: intron variant (1).
Genome position (GRCh38, 1-based): chr10:13,288,358, A>C on the plus strand (T>G on the coding strand, the complement: PHYH is on the minus strand). VCF-style: chr10-13288358-A-C. GRCh37 (hg19) VCF-style: chr10-13330358-A-C.
Other names: c.415-4519T>G (NM_001323083.2); c.684+2T>G (NM_001323082.2); c.378+2T>G (NM_001037537.2, NM_001323080.2); c.384+2T>G (NM_001323084.2).
Identifiers: ClinVar variation 5003264 (VCV005003264.1).